The following is an entry in ClinVar:

NM_001040142.2(SCN2A):c.3154T>C (p.Cys1052Arg)

Gene: SCN2A (sodium voltage-gated channel alpha subunit 2; plus strand). Cytogenetic location: 2q24.3.
Variant type: single nucleotide variant.
Coding change: c.3154T>C on transcript NM_001040142.2 (MANE Select); coding-DNA position 3154, T replaced by C.
Protein change: p.Cys1052Arg; replaces cysteine 1052 with arginine.
Molecular consequence: missense variant.
Genome position (GRCh38, 1-based): chr2:165,354,426, T>C. VCF-style: chr2-165354426-T-C. GRCh37 (hg19) VCF-style: chr2-166210936-T-C.
Other names: c.3154T>C, p.Cys1052Arg (NM_001040143.2, NM_001371246.1, NM_001371247.1 and 1 more transcripts); short protein forms C1052R.
Identifiers: ClinVar variation 1316375 (VCV001316375.6), dbSNP rs2105337207, ClinGen allele CA349020798.

ClinVar aggregate classification (germline): Uncertain significance. Review status: criteria provided, multiple submitters, no conflicts (2 of 4 stars). 2 submissions from 2 submitters: Uncertain significance (2). Last evaluated 2022-04-18.

Conditions:
Developmental and epileptic encephalopathy, 11 (DEE11). Also called: Early infantile epileptic encephalopathy 11. Identifiers: Orphanet 1934, MedGen C3150987, MONDO:0013388, OMIM 613721.
Seizures, benign familial infantile, 3 (BFIS3). Also called: CONVULSIONS, BENIGN FAMILIAL INFANTILE, 3; Familial neonatal seizures. Identifiers: Orphanet 140927, Orphanet 306, MedGen C1843140, MONDO:0011904, OMIM 607745.

Submissions (2):

Labcorp Genetics (formerly Invitae), Labcorp
Classification: Uncertain significance for Seizures, benign familial infantile, 3; Developmental and epileptic encephalopathy, 11. Last evaluated: 2022-04-18. Review status: criteria provided, single submitter. Criteria: Invitae Variant Classification Sherloc (09022015). Collection method: clinical testing. Allele origin: germline.
Comment: This sequence change replaces cysteine, which is neutral and slightly polar, with arginine, which is basic and polar, at codon 1052 of the SCN2A protein (p.Cys1052Arg). This variant is not present in population databases (gnomAD no frequency). In summary, the available evidence is currently insufficient to determine the role of this variant in disease. Therefore, it has been classified as a Variant of Uncertain Significance. Algorithms developed to predict the effect of missense changes on protein structure and function are either unavailable or do not agree on the potential impact of this missense change (SIFT: "Tolerated"; PolyPhen-2: "Possibly Damaging"; Align-GVGD: "Class C0"). ClinVar contains an entry for this variant (Variation ID: 1316375). This variant has not been reported in the literature in individuals affected with SCN2A-related conditions.

GeneDx
Classification: Uncertain significance. Last evaluated: 2018-12-04. Review status: criteria provided, single submitter. Criteria: GeneDx Variant Classification Process June 2021. Collection method: clinical testing. Allele origin: germline. Affected: yes.
Comment: Not observed in large population cohorts (Lek et al., 2016; McVean et al., 2012; Exome Variant Server); The majority of missense variants in this gene are considered pathogenic (Stenson et al., 2014); In silico analyses, including protein predictors and evolutionary conservation, support a deleterious effect